The following is an entry in ClinVar:

ClinVar aggregate classification (germline): Uncertain significance. Review status: criteria provided, multiple submitters, no conflicts (2 of 4 stars). 2 submissions from 2 submitters: Uncertain significance (2). Last evaluated 2025-04-20.

Allele frequency attached by ClinVar (database versions not stated): gnomAD exomes 0.00001.
gnomAD v4.1: 7 of 1,614,176 alleles (0.00043%); highest among the groups gnomAD compares: Non-Finnish European, 0.00059%; no homozygotes.

Submissions (2):

Labcorp Genetics (formerly Invitae), Labcorp
Classification: Uncertain significance. Last evaluated: 2025-04-20. Review status: criteria provided, single submitter. Criteria: Invitae Variant Classification Sherloc (09022015). Collection method: clinical testing. Allele origin: germline.
Comment: This sequence change replaces isoleucine, which is neutral and non-polar, with threonine, which is neutral and polar, at codon 578 of the HK1 protein (p.Ile578Thr). This variant is not present in population databases (gnomAD no frequency). This variant has not been reported in the literature in individuals affected with HK1-related conditions. ClinVar contains an entry for this variant (Variation ID: 938092). Invitae Evidence Modeling of protein sequence and biophysical properties (such as structural, functional, and spatial information, amino acid conservation, physicochemical variation, residue mobility, and thermodynamic stability) indicates that this missense variant is not expected to disrupt HK1 protein function with a negative predictive value of 80%. In summary, the available evidence is currently insufficient to determine the role of this variant in disease. Therefore, it has been classified as a Variant of Uncertain Significance.

Blueprint Genetics
Classification: Uncertain significance. Last evaluated: 2022-04-25. Review status: criteria provided, single submitter. Criteria: ACMG Guidelines, 2015. Collection method: clinical testing. Allele origin: germline.

NM_000188.3(HK1):c.1733T>C (p.Ile578Thr)

Gene: HK1 (hexokinase 1; plus strand). Cytogenetic location: 10q22.1.
Variant type: single nucleotide variant.
Coding change: c.1733T>C on transcript NM_000188.3 (MANE Select); coding-DNA position 1733, T replaced by C.
Protein change: p.Ile578Thr; replaces isoleucine 578 with threonine.
Molecular consequence: missense variant.
Genome position (GRCh38, 1-based): chr10:69,384,809, T>C. VCF-style: chr10-69384809-T-C. GRCh37 (hg19) VCF-style: chr10-71144565-T-C.
Other names: c.1745T>C, p.Ile582Thr (NM_001322364.2, NM_001358263.1, NM_033497.3 and 1 more transcripts); c.1838T>C, p.Ile613Thr (NM_001322365.2); c.1649T>C, p.Ile550Thr (NM_001322366.1); c.1637T>C, p.Ile546Thr (NM_001322367.1); c.1730T>C, p.Ile577Thr (NM_033496.3); c.1697T>C, p.Ile566Thr (NM_033500.2); short protein forms I546T, I566T, I613T, I550T, I582T, I577T, I578T.
Identifiers: ClinVar variation 938092 (VCV000938092.10), dbSNP rs1839556248, ClinGen allele CA376911875.
Genomic context (GRCh38, chr10:69,384,809, plus strand): 5'-AATTAAAACCACAGAGAGCACGGGCGATCCTTTCTTTTCCCCTGCAGCTGTTTGATCACA[T>C]TGTCTCCTGCATCTCTGACTTCTTGGACTACATGGGGATCAAAGGCCCCAGGATGCCTCT-3'
Protein context (NP_000179.2, residues 568-588): QGTGEELFDH[Ile578Thr]VSCISDFLDY